The following is an entry in ClinVar:

NM_001283009.2(RTEL1):c.1004C>T (p.Pro335Leu)

Genes: RTEL1 (regulator of telomere elongation helicase 1; plus strand), RTEL1-TNFRSF6B (RTEL1-TNFRSF6B readthrough (NMD candidate); plus strand). Cytogenetic location: 20q13.33.
Variant type: single nucleotide variant.
Coding change: c.1004C>T on transcript NM_001283009.2 (MANE Select); coding-DNA position 1004, C replaced by T.
Protein change: p.Pro335Leu; replaces proline 335 with leucine.
Molecular consequence: missense variant. On other transcripts: non-coding transcript variant (1).
Genome position (GRCh38, 1-based): chr20:63,678,313, C>T. VCF-style: chr20-63678313-C-T. GRCh37 (hg19) VCF-style: chr20-62309666-C-T.
Other names: c.335C>T, p.Pro112Leu (NM_001283010.1); c.1004C>T, p.Pro335Leu (NM_016434.4); c.1076C>T, p.Pro359Leu (NM_032957.5); short protein forms P359L, P112L, P335L.
Identifiers: ClinVar variation 4629585 (VCV004629585.1).
Genomic context (GRCh38, chr20:63,678,313, plus strand): 5'-CTCCTCGACCCACAGTGATCCTGCTGCGCCTGGAGGGGGCCATCGATGCTGTTGAGCTGC[C>T]TGGAGACGACAGCGGTGTCACCAAGCCAGGGAGGTGAGAGGCGGGGAGCCAGCCCCTTCA-3'
Protein context (NP_001269938.1, residues 325-345): LEGAIDAVEL[Pro335Leu]GDDSGVTKPG

ClinVar aggregate classification (germline): Uncertain significance (1 of 4 stars; one submission).

Conditions:
Inborn genetic diseases. Identifiers: MedGen C0950123, MeSH D030342.

Submission:

Ambry Genetics
Classification: Uncertain significance for Inborn genetic diseases. Last evaluated: 2025-11-04. Review status: criteria provided, single submitter. Criteria: Ambry Variant Classification Scheme 2023. Collection method: clinical testing. Allele origin: germline.
Comment: The p.P335L variant (also known as c.1004C>T), located in coding exon 11 of the RTEL1 gene, results from a C to T substitution at nucleotide position 1004. The proline at codon 335 is replaced by leucine, an amino acid with similar properties. This amino acid position is conserved. In addition, the in silico prediction for this alteration is inconclusive. Based on the available evidence, the clinical significance of this variant remains unclear.